The following is an entry in ClinVar:

ClinVar aggregate classification (germline): Pathogenic (1 of 4 stars; one submission).

Conditions:
Cohen syndrome (COH1). Also called: PEPPER SYNDROME; Cutis verticis gyrata, retinitis pigmentosa, and sensorineural deafness. Identifiers: Orphanet 193, MedGen C0265223, MONDO:0008999, OMIM 216550.

Submission:

Labcorp Genetics (formerly Invitae), Labcorp
Classification: Pathogenic for Cohen syndrome. Last evaluated: 2023-07-06. Review status: criteria provided, single submitter. Criteria: Invitae Variant Classification Sherloc (09022015). Collection method: clinical testing. Allele origin: germline.
Comment: This sequence change creates a premature translational stop signal (p.Ser703Phefs*7) in the VPS13B gene. It is expected to result in an absent or disrupted protein product. Loss-of-function variants in VPS13B are known to be pathogenic (PMID: 15141358, 16648375, 20461111). This variant is not present in population databases (gnomAD no frequency). This variant has not been reported in the literature in individuals affected with VPS13B-related conditions. Algorithms developed to predict the effect of sequence changes on RNA splicing suggest that this variant may disrupt the consensus splice site. For these reasons, this variant has been classified as Pathogenic.

Literature cited by the submitters: PubMed 15141358; PubMed 16648375; PubMed 20461111.

NM_152564.5(VPS13B):c.2107dup (p.Ser703fs)

Gene: VPS13B (vacuolar protein sorting 13 homolog B; plus strand). Cytogenetic location: 8q22.2.
Variant type: Duplication.
Coding change: c.2107dup on transcript NM_152564.5 (MANE Select); coding-DNA position 2107, one base duplicated (T; older notation c.2107dupT).
Protein change: p.Ser703fs; shifts the reading frame from serine 703.
Molecular consequence: frameshift variant.
Genome position (GRCh38, 1-based): chr8:99,156,642, T duplicated; the last of 2 consecutive T bases (chr8:99,156,641-99,156,642); duplicating either gives the same sequence. VCF-style (leftmost placement, unchanged base first): chr8-99156640-A-AT. GRCh37 (hg19) VCF-style: chr8-100168868-A-AT.
Other names: c.2107dup, p.Ser703fs (NM_017890.5, NM_015243.3); short protein forms S703fs.
Identifiers: ClinVar variation 2793851 (VCV002793851.3), dbSNP rs1811379645, ClinGen allele CA1805618397.